The following is an entry in ClinVar:

ClinVar aggregate classification (germline): Uncertain significance (1 of 4 stars; one submission).

Conditions:
Polyglandular autoimmune syndrome, type 1 (APS1). Also called: AUTOIMMUNE POLYENDOCRINE SYNDROME, TYPE I, WITH OR WITHOUT REVERSIBLE METAPHYSEAL DYSPLASIA; Autoimmune polyendocrine syndrome type 1; APS I; Whitaker syndrome; HYPOADRENOCORTICISM WITH HYPOPARATHYROIDISM AND SUPERFICIAL MONILIASIS; PGA I. Identifiers: Orphanet 3453, MedGen C0085859, MONDO:0009411, OMIM 240300.

Allele frequency attached by ClinVar (database versions not stated): gnomAD exomes below 0.00001; gnomAD 0.00001; TOPMed 0.00001.

Submission:

Labcorp Genetics (formerly Invitae), Labcorp
Classification: Uncertain significance for Polyglandular autoimmune syndrome, type 1. Last evaluated: 2023-04-15. Review status: criteria provided, single submitter. Criteria: Invitae Variant Classification Sherloc (09022015). Collection method: clinical testing. Allele origin: germline.
Comment: In summary, the available evidence is currently insufficient to determine the role of this variant in disease. Therefore, it has been classified as a Variant of Uncertain Significance. This sequence change replaces glutamic acid, which is acidic and polar, with lysine, which is basic and polar, at codon 329 of the AIRE protein (p.Glu329Lys). This variant is present in population databases (no rsID available, gnomAD 0.002%). This variant has not been reported in the literature in individuals affected with AIRE-related conditions. Advanced modeling of protein sequence and biophysical properties (such as structural, functional, and spatial information, amino acid conservation, physicochemical variation, residue mobility, and thermodynamic stability) performed at Invitae indicates that this missense variant is not expected to disrupt AIRE protein function.

NM_000383.4(AIRE):c.985G>A (p.Glu329Lys)

Gene: AIRE (autoimmune regulator; plus strand). Cytogenetic location: 21q22.3.
Variant type: single nucleotide variant.
Coding change: c.985G>A on transcript NM_000383.4 (MANE Select); coding-DNA position 985, G replaced by A.
Protein change: p.Glu329Lys; replaces glutamic acid 329 with lysine.
Molecular consequence: missense variant.
Genome position (GRCh38, 1-based): chr21:44,291,200, G>A. VCF-style: chr21-44291200-G-A. GRCh37 (hg19) VCF-style: chr21-45711083-G-A.
Other names: short protein forms E329K.
Identifiers: ClinVar variation 2801248 (VCV002801248.3), dbSNP rs1247965967, ClinGen allele CA410425002.
Genomic context (GRCh38, chr21:44,291,200, plus strand): 5'-ATCTGCTGTGACGGCTGCCCTCGGGCCTTCCACCTGGCCTGCCTGTCCCCTCCGCTCCGG[G>A]AGATCCCCAGGTGAGCCTGCACCTCTGCCAGCGCAACCAGGCCACCCCGGTTCACGGCCG-3'
Protein context (NP_000374.1, residues 319-339): HLACLSPPLR[Glu329Lys]IPSGTWRCSS